The following is an entry in ClinVar:

NM_177550.5(SLC13A5):c.642C>T (p.Tyr214=)

Gene: SLC13A5 (solute carrier family 13 member 5; minus strand). Cytogenetic location: 17p13.1.
Variant type: single nucleotide variant.
Coding change: c.642C>T on transcript NM_177550.5 (MANE Select); coding-DNA position 642, C replaced by T.
Protein change: p.Tyr214=; no amino-acid change (tyrosine 214 retained).
Molecular consequence: synonymous variant.
Genome position (GRCh38, 1-based): chr17:6,703,044, G>A on the plus strand (C>T on the coding strand, the complement: SLC13A5 is on the minus strand). VCF-style: chr17-6703044-G-A. GRCh37 (hg19) VCF-style: chr17-6606363-G-A.
Other names: c.642C>T, p.Tyr214= (NM_001143838.3); c.591C>T, p.Tyr197= (NM_001284509.2); c.513C>T, p.Tyr171= (NM_001284510.2).
Identifiers: ClinVar variation 475201 (VCV000475201.17), dbSNP rs148755614, ClinGen allele CA8331660.

ClinVar aggregate classification (germline): Likely benign. Review status: criteria provided, multiple submitters, no conflicts (2 of 4 stars). 3 submissions from 3 submitters: Likely benign (3). Last evaluated 2026-04-01.

Conditions:
Developmental and epileptic encephalopathy, 25 (DEE25). Also called: Epileptic encephalopathy, early infantile, 25; Developmental and epileptic encephalopathy 25, with amelogenesis imperfecta; Epileptic encephalopathy, early infantile, 25, with amelogenesis imperfecta. Identifiers: Orphanet 442835, MedGen C4014621, MONDO:0014392, OMIM 615905.

Allele frequency attached by ClinVar (database versions not stated): 1000 Genomes Project 0.00040; gnomAD exomes 0.00041 and 0.00031; gnomAD 0.00018 and 0.00020; TOPMed 0.00018; ESP Exome Variant Server 0.00023; 1000 Genomes Project 30x 0.00031; ExAC 0.00031.
gnomAD v4.1: 636 of 1,614,200 alleles (0.039%); highest among the groups gnomAD compares: South Asian, 0.091%; 1 homozygote.

Submissions (3):

CeGaT Center for Human Genetics Tuebingen
Classification: Likely benign. Last evaluated: 2026-04-01. Review status: criteria provided, single submitter. Criteria: CeGaT Center For Human Genetics Tuebingen Variant Classification Criteria Version 2. Collection method: clinical testing. Allele origin: germline. Affected: yes. Observed: 1 variant allele.
Comment: SLC13A5: BP4, BP7

Labcorp Genetics (formerly Invitae), Labcorp
Classification: Likely benign for Developmental and epileptic encephalopathy, 25. Last evaluated: 2026-01-28. Review status: criteria provided, single submitter. Criteria: Invitae Variant Classification Sherloc (09022015). Collection method: clinical testing. Allele origin: germline.

GeneDx
Classification: Likely benign. Last evaluated: 2019-08-30. Review status: criteria provided, single submitter. Criteria: GeneDx Variant Classification Process June 2021. Collection method: clinical testing. Allele origin: germline. Affected: yes.